The following is an entry in ClinVar:

ClinVar aggregate classification (germline): Uncertain significance. Review status: criteria provided, multiple submitters, no conflicts (2 of 4 stars). 2 submissions from 2 submitters: Uncertain significance (2). Last evaluated 2024-05-25.

Conditions:
Hereditary cancer-predisposing syndrome. Also called: Hereditary Cancer Syndrome; Hereditary neoplastic syndrome; Neoplastic Syndromes, Hereditary; Tumor predisposition. Identifiers: Orphanet 140162, MedGen C0027672, MeSH D009386, MONDO:0015356.
Hereditary nonpolyposis colorectal neoplasms. Identifiers: MedGen C0009405, MeSH D003123.

Submissions (2):

Labcorp Genetics (formerly Invitae), Labcorp
Classification: Uncertain significance for Hereditary nonpolyposis colorectal neoplasms. Last evaluated: 2024-05-25. Review status: criteria provided, single submitter. Criteria: Invitae Variant Classification Sherloc (09022015). Collection method: clinical testing. Allele origin: germline.
Comment: This sequence change replaces alanine, which is neutral and non-polar, with aspartic acid, which is acidic and polar, at codon 23 of the MSH6 protein (p.Ala23Asp). This variant is not present in population databases (gnomAD no frequency). This variant has not been reported in the literature in individuals affected with MSH6-related conditions. ClinVar contains an entry for this variant (Variation ID: 1692269). Advanced modeling of protein sequence and biophysical properties (such as structural, functional, and spatial information, amino acid conservation, physicochemical variation, residue mobility, and thermodynamic stability) performed at Invitae indicates that this missense variant is not expected to disrupt MSH6 protein function with a negative predictive value of 95%. In summary, the available evidence is currently insufficient to determine the role of this variant in disease. Therefore, it has been classified as a Variant of Uncertain Significance.

Sema4
Classification: Uncertain significance for Hereditary cancer-predisposing syndrome. Last evaluated: 2021-10-18. Review status: criteria provided, single submitter. Criteria: Sema4 Curation Guidelines. Collection method: curation. Allele origin: germline.
Comment: The MSH6 c.68C>A (p.A23D) variant has not been reported in the literature to our knowledge. It was not observed in the large and broad cohorts of the Genome Aggregation Database (PMID: 32461654) nor in ClinVar. In silico tools suggest the impact of the variant on protein function is benign, though these predictions have not been confirmed by functional studies. The evidence is insufficient to meet ACMG/AMP criteria for classifying the variant as benign or pathogenic. Thus, the clinical significance of this variant is currently uncertain.

NM_000179.3(MSH6):c.68C>A (p.Ala23Asp)

Gene: MSH6 (mutS homolog 6; plus strand). Cytogenetic location: 2p16.3.
Variant type: single nucleotide variant.
Coding change: c.68C>A on transcript NM_000179.3 (MANE Select); coding-DNA position 68, C replaced by A.
Protein change: p.Ala23Asp; replaces alanine 23 with aspartic acid.
Molecular consequence: missense variant. On other transcripts: 5 prime UTR variant (1).
Genome position (GRCh38, 1-based): chr2:47,783,301, C>A. VCF-style: chr2-47783301-C-A. GRCh37 (hg19) VCF-style: chr2-48010440-C-A.
Other names: c.68C>A, p.Ala23Asp (NM_001281492.2); c.-669C>A (NM_001281493.2); short protein forms A23D.
Identifiers: ClinVar variation 1692269 (VCV001692269.4), dbSNP rs1060502912, ClinGen allele CA346734780.
Genomic context (GRCh38, chr2:47,783,301, plus strand): 5'-GACAGAGCACCCTGTACAGCTTCTTCCCCAAGTCTCCGGCGCTGAGTGATGCCAACAAGG[C>A]CTCGGCCAGGGCCTCACGCGAAGGCGGCCGTGCCGCCGCTGCCCCCGGGGCCTCTCCTTC-3'
Protein context (NP_000170.1, residues 13-33): KSPALSDANK[Ala23Asp]SARASREGGR